The following is an entry in ClinVar:

ClinVar aggregate classification (germline): Uncertain significance (1 of 4 stars; one submission).

Conditions:
Immunodeficiency, common variable, 7. Identifiers: Orphanet 1572, Orphanet 696894, MedGen C3542922, MONDO:0013862, OMIM 614699.

Allele frequency attached by ClinVar (database versions not stated): gnomAD exomes below 0.00001.
gnomAD v4.1: 2 of 1,605,740 alleles (0.00012%); highest among the groups gnomAD compares: Non-Finnish European, 0.00017%; no homozygotes.

Submission:

Labcorp Genetics (formerly Invitae), Labcorp
Classification: Uncertain significance for Immunodeficiency, common variable, 7. Last evaluated: 2022-04-17. Review status: criteria provided, single submitter. Criteria: Invitae Variant Classification Sherloc (09022015). Collection method: clinical testing. Allele origin: germline.
Comment: This sequence change replaces lysine, which is basic and polar, with asparagine, which is neutral and polar, at codon 774 of the CR2 protein (p.Lys774Asn). This variant is present in population databases (no rsID available, gnomAD 0.0009%). This variant has not been reported in the literature in individuals affected with CR2-related conditions. Algorithms developed to predict the effect of missense changes on protein structure and function are either unavailable or do not agree on the potential impact of this missense change (SIFT: "Tolerated"; PolyPhen-2: "Possibly Damaging"; Align-GVGD: "Class C0"). In summary, the available evidence is currently insufficient to determine the role of this variant in disease. Therefore, it has been classified as a Variant of Uncertain Significance.

NM_001006658.3(CR2):c.2322A>T (p.Lys774Asn)

Gene: CR2 (complement C3d receptor 2; plus strand). Cytogenetic location: 1q32.2.
Variant type: single nucleotide variant.
Coding change: c.2322A>T on transcript NM_001006658.3 (MANE Select); coding-DNA position 2322, A replaced by T.
Protein change: p.Lys774Asn; replaces lysine 774 with asparagine.
Molecular consequence: missense variant.
Genome position (GRCh38, 1-based): chr1:207,474,322, A>T. VCF-style: chr1-207474322-A-T. GRCh37 (hg19) VCF-style: chr1-207647667-A-T.
Other names: c.2145A>T, p.Lys715Asn (NM_001877.5); short protein forms K774N, K715N.
Identifiers: ClinVar variation 2139847 (VCV002139847.4), dbSNP rs1382548358, ClinGen allele CA344536825.
Genomic context (GRCh38, chr1:207,474,322, plus strand): 5'-TTATCAGATGTGTCAAGATGCTGAAAATGGAATTTGGTTCAAAAAGATTCCACTTTGTAA[A>T]GGTAAGTTAGAAAAAATAAAAGCCTGACAATGGTAATGGAGGATTAGAGAGGGCAGGCCA-3'
Protein context (NP_001006659.1, residues 764-784): GIWFKKIPLC[Lys774Asn]VIHCHPPPVI